The following is an entry in ClinVar:

ClinVar aggregate classification (germline): Pathogenic (1 of 4 stars; one submission).

Conditions:
Birt-Hogg-Dube syndrome. Also called: Birt Hogg Dubé syndrome. Identifiers: Orphanet 122, MedGen C0346010, MONDO:0800444.

Submission:

Labcorp Genetics (formerly Invitae), Labcorp
Classification: Pathogenic for Birt-Hogg-Dube syndrome. Last evaluated: 2020-12-01. Review status: criteria provided, single submitter. Criteria: Invitae Variant Classification Sherloc (09022015). Collection method: clinical testing. Allele origin: germline.
Comment: This variant is a gross deletion of the genomic region encompassing non-coding exon 1 and non-coding exon 2 of the FLCN gene. The 5' end of this event is unknown as it extends beyond the assayed region for this gene, and therefore may encompass additional genes. The 3' boundary is likely confined to intron 2 of the FLCN gene. For these reasons, this variant has been classified as Pathogenic. This variant has not been reported in the literature in individuals with FLCN-related conditions. The region of the FLCN gene that includes non-coding exon(s) 1 has been determined to be clinically significant (PMID: 22382802, 21412933). Therefore, deletions that encompass that region are likely to cause disease.

Literature cited by the submitters: PubMed 22382802; PubMed 21412933.

NC_000017.10:g.(?_17135706)_(17147081_?)del

Gene: FLCN (folliculin; minus strand). Cytogenetic location: 17p11.2.
Variant type: Deletion.
Identifiers: ClinVar variation 1458625 (VCV001458625.8).